The following is an entry in ClinVar:

NM_005097.4(LGI1):c.359+7A>C

Gene: LGI1 (leucine rich glioma inactivated 1; plus strand). Cytogenetic location: 10q23.33.
Variant type: single nucleotide variant.
Coding change: c.359+7A>C on transcript NM_005097.4 (MANE Select); 7 bases into the intron after coding-DNA position 359, A replaced by C.
Molecular consequence: intron variant.
Genome position (GRCh38, 1-based): chr10:93,777,457, A>C. VCF-style: chr10-93777457-A-C. GRCh37 (hg19) VCF-style: chr10-95537214-A-C.
Other names: c.359+7A>C (NM_001308275.2); c.288-12642A>C (NM_001308276.2).
Identifiers: ClinVar variation 2718072 (VCV002718072.3), dbSNP rs2492859871, ClinGen allele CA2697558657.
Genomic context (GRCh38, chr10:93,777,457, plus strand): 5'-CTTTGATGTGATCAGTGATGATGCTTTTATTGGTCTTCCACATCTAGAGTATTTGTAAGT[A>C]AAAAAGCTTTTTTAAAACATGATGATTCAGGACAAGTACTCTCAAGTTCCTGTAACTGTT-3'

ClinVar aggregate classification (germline): Uncertain significance (1 of 4 stars; one submission).

Conditions:
Autosomal dominant epilepsy with auditory features. Identifiers: Orphanet 101046, MedGen C1838062, MONDO:0010898.

Submission:

Labcorp Genetics (formerly Invitae), Labcorp
Classification: Uncertain significance for Autosomal dominant epilepsy with auditory features. Last evaluated: 2023-07-29. Review status: criteria provided, single submitter. Criteria: Invitae Variant Classification Sherloc (09022015). Collection method: clinical testing. Allele origin: germline.
Comment: This sequence change falls in intron 3 of the LGI1 gene. It does not directly change the encoded amino acid sequence of the LGI1 protein. This variant is not present in population databases (gnomAD no frequency). This variant has not been reported in the literature in individuals affected with LGI1-related conditions. Algorithms developed to predict the effect of sequence changes on RNA splicing suggest that this variant may disrupt the consensus splice site. In summary, the available evidence is currently insufficient to determine the role of this variant in disease. Therefore, it has been classified as a Variant of Uncertain Significance.